The following is an entry in ClinVar:

NM_000384.3(APOB):c.3749C>G (p.Thr1250Ser)

Gene: APOB (apolipoprotein B; minus strand). Cytogenetic location: 2p24.1.
Variant type: single nucleotide variant.
Coding change: c.3749C>G on transcript NM_000384.3 (MANE Select); coding-DNA position 3749, C replaced by G.
Protein change: p.Thr1250Ser; replaces threonine 1250 with serine.
Molecular consequence: missense variant.
Genome position (GRCh38, 1-based): chr2:21,014,541, G>C on the plus strand (C>G on the coding strand, the complement: APOB is on the minus strand). VCF-style: chr2-21014541-G-C. GRCh37 (hg19) VCF-style: chr2-21237413-G-C.
Other names: short protein forms T1250S.
Identifiers: ClinVar variation 3231406 (VCV003231406.1), dbSNP rs1429864381, ClinGen allele CA346008380.
Genomic context (GRCh38, chr2:21,014,541, plus strand): 5'-TCTGGCAATCCCATGTTCTGGAGGTTGAACTCCTTCAGGCTATTGAGGTGGTCTTGCAAA[G>C]TCTGGGTATAAGGAAGACTCCCAGATGCCTTCTGAAGCCATGAGCTCATTGCCTACAAAA-3'
Protein context (NP_000375.3, residues 1240-1260): KASGSLPYTQ[Thr1250Ser]LQDHLNSLKE

ClinVar aggregate classification (germline): Uncertain significance (1 of 4 stars; one submission).

Conditions:
Cardiovascular phenotype. Identifiers: MedGen CN230736.

Allele frequency attached by ClinVar (database versions not stated): TOPMed 0.00001.
gnomAD v4.1: 2 of 1,613,970 alleles (0.00012%); highest among the groups gnomAD compares: African/African-American, 0.0027%; no homozygotes.

Submission:

Ambry Genetics
Classification: Uncertain significance for Cardiovascular phenotype. Last evaluated: 2023-09-28. Review status: criteria provided, single submitter. Criteria: Ambry Variant Classification Scheme 2023. Collection method: clinical testing. Allele origin: germline.
Comment: The p.T1250S variant (also known as c.3749C>G), located in coding exon 24 of the APOB gene, results from a C to G substitution at nucleotide position 3749. The threonine at codon 1250 is replaced by serine, an amino acid with similar properties. This amino acid position is conserved. In addition, this alteration is predicted to be tolerated by in silico analysis. Since supporting evidence is limited at this time, the clinical significance of this alteration remains unclear.